The following is an entry in ClinVar:

NM_016203.4(PRKAG2):c.566A>G (p.Asn189Ser)

Gene: PRKAG2 (protein kinase AMP-activated non-catalytic subunit gamma 2; minus strand). Cytogenetic location: 7q36.1.
Variant type: single nucleotide variant.
Coding change: c.566A>G on transcript NM_016203.4 (MANE Select); coding-DNA position 566, A replaced by G.
Protein change: p.Asn189Ser; replaces asparagine 189 with serine.
Molecular consequence: missense variant.
Genome position (GRCh38, 1-based): chr7:151,675,538, T>C on the plus strand (A>G on the coding strand, the complement: PRKAG2 is on the minus strand). VCF-style: chr7-151675538-T-C. GRCh37 (hg19) VCF-style: chr7-151372624-T-C.
Other names: c.434A>G, p.Asn145Ser (NM_001040633.2); c.194A>G, p.Asn65Ser (NM_001304527.2, NM_001363698.2); short protein forms N145S, N189S, N65S.
Identifiers: ClinVar variation 1466518 (VCV001466518.6), dbSNP rs2151477098, ClinGen allele CA370187776.

ClinVar aggregate classification (germline): Uncertain significance (1 of 4 stars; one submission).

Conditions:
Lethal congenital glycogen storage disease of heart. Also called: GLYCOGEN STORAGE DISEASE OF HEART; PHOSPHORYLASE KINASE DEFICIENCY OF HEART. Identifiers: Orphanet 439854, MedGen C1849813, MONDO:0009867, OMIM 261740.

Submission:

Labcorp Genetics (formerly Invitae), Labcorp
Classification: Uncertain significance for Lethal congenital glycogen storage disease of heart. Last evaluated: 2024-10-22. Review status: criteria provided, single submitter. Criteria: Invitae Variant Classification Sherloc (09022015). Collection method: clinical testing. Allele origin: germline.
Comment: This sequence change replaces asparagine, which is neutral and polar, with serine, which is neutral and polar, at codon 189 of the PRKAG2 protein (p.Asn189Ser). This variant is not present in population databases (gnomAD no frequency). This variant has not been reported in the literature in individuals affected with PRKAG2-related conditions. ClinVar contains an entry for this variant (Variation ID: 1466518). Invitae Evidence Modeling of protein sequence and biophysical properties (such as structural, functional, and spatial information, amino acid conservation, physicochemical variation, residue mobility, and thermodynamic stability) indicates that this missense variant is not expected to disrupt PRKAG2 protein function with a negative predictive value of 95%. In summary, the available evidence is currently insufficient to determine the role of this variant in disease. Therefore, it has been classified as a Variant of Uncertain Significance.